The following is an entry in ClinVar:

NM_133259.4(LRPPRC):c.1947_1948del (p.Asn650fs)

Gene: LRPPRC (leucine rich pentatricopeptide repeat containing; minus strand). Cytogenetic location: 2p21.
Variant type: Deletion.
Coding change: c.1947_1948del on transcript NM_133259.4 (MANE Select); coding-DNA positions 1947 to 1948, 2 bases deleted (GA; older notation c.1947_1948delGA).
Protein change: p.Asn650fs; shifts the reading frame from asparagine 650.
Molecular consequence: frameshift variant.
Genome position (GRCh38, 1-based): chr2:43,947,748-43,947,749, TC deleted on the plus strand (GA on the coding strand, the reverse complement: LRPPRC is on the minus strand); deleting any 2 consecutive bases within chr2:43,947,748-43,947,750 gives the same sequence; the c. name uses the placement nearest the transcript's 3' end. VCF-style (leftmost placement, unchanged base first): chr2-43947747-TTC-T. GRCh37 (hg19) VCF-style: chr2-44174886-TTC-T.
Other names: short protein forms N650fs.
Identifiers: ClinVar variation 1724335 (VCV001724335.2), dbSNP rs2466571469, ClinGen allele CA2580066545.

ClinVar aggregate classification (germline): Likely pathogenic (1 of 4 stars; one submission).

Conditions:
Congenital lactic acidosis, Saguenay-Lac-Saint-Jean type (MC4DN5). Also called: MITOCHONDRIAL COMPLEX IV DEFICIENCY, NUCLEAR TYPE 5; CYTOCHROME c OXIDASE DEFICIENCY, FRENCH CANADIAN TYPE; COX DEFICIENCY, FRENCH CANADIAN TYPE. Identifiers: Orphanet 70472, MedGen C1857355, MONDO:0009069, OMIM 220111.

Submission:

Myriad Genetics, Inc.
Classification: Likely pathogenic for Congenital lactic acidosis, Saguenay-Lac-Saint-Jean type. Last evaluated: 2022-02-06. Review status: criteria provided, single submitter. Criteria: Myriad Women's Health Autosomal Recessive and X-Linked Classification Criteria (2021). Collection method: clinical testing. Allele origin: unknown.
Comment: NM_133259.3(LRPPRC):c.1947_1948delGA(N650Ffs*13) is expected to be pathogenic in the context of Leigh syndrome, French-Canadian type. This variant is predicted to lead to an abnormal or absent protein product due to the creation of a premature termination codon in LRPPRC, a gene where loss-of-function variants are known to be pathogenic. Please note: this variant was assessed in the context of healthy population screening.